The following is an entry in ClinVar:

NC_000017.10:g.(?_66339725)_(66352965_?)dup

Gene: ARSG (arylsulfatase G; plus strand). Cytogenetic location: 17q24.2.
Variant type: Duplication.
Identifiers: ClinVar variation 1450211 (VCV001450211.4).

ClinVar aggregate classification (germline): Uncertain significance (1 of 4 stars; one submission).

Submission:

Labcorp Genetics (formerly Invitae), Labcorp
Classification: Uncertain significance. Last evaluated: 2020-11-23. Review status: criteria provided, single submitter. Criteria: Invitae Variant Classification Sherloc (09022015). Collection method: clinical testing. Allele origin: germline.
Comment: In summary, the available evidence is currently insufficient to determine the role of this variant in disease. Therefore, it has been classified as a Variant of Uncertain Significance. Experimental studies and prediction algorithms are not available or were not evaluated, and the functional significance of this variant is currently unknown. This variant has not been reported in the literature in individuals with ARSG-related conditions. This variant results in a copy number gain of the genomic region encompassing exon(s) 3-6 of the ARSG gene. While the exact position of this variant cannot be determined from the data, sub-genic copy number gains are generally in tandem (PMID: 25640679). This variant is predicted to be in-frame, and likely preserves the integrity of the reading frame.

Literature cited by the submitters: PubMed 25640679.